The following is an entry in ClinVar:

NM_000540.3(RYR1):c.10087G>A (p.Gly3363Arg)

Gene: RYR1 (ryanodine receptor 1; plus strand). Cytogenetic location: 19q13.2.
Variant type: single nucleotide variant.
Coding change: c.10087G>A on transcript NM_000540.3 (MANE Select); coding-DNA position 10087, G replaced by A.
Protein change: p.Gly3363Arg; replaces glycine 3363 with arginine.
Molecular consequence: missense variant.
Genome position (GRCh38, 1-based): chr19:38,519,282, G>A. VCF-style: chr19-38519282-G-A. GRCh37 (hg19) VCF-style: chr19-39009922-G-A.
Other names: c.10087G>A, p.Gly3363Arg (NM_001042723.2); short protein forms G3363R.
Identifiers: ClinVar variation 2194582 (VCV002194582.2), dbSNP rs775895899, ClinGen allele CA052341.

ClinVar aggregate classification (germline): Uncertain significance. Review status: criteria provided, multiple submitters, no conflicts (2 of 4 stars). 2 submissions from 2 submitters: Uncertain significance (2). Last evaluated 2024-02-22.

Conditions:
RYR1-related disorder. Also called: RYR1-related disorders; RYR1-related condition. Identifiers: MedGen CN239331.
Malignant hyperthermia, susceptibility to, 1 (MHS1). Also called: RYR1-Related Malignant Hyperthermia Susceptibility; Malignant hyperthermia suceptibility 1; Anesthesia related hyperthermia; Malignant hyperpyrexia; Fulminating hyperpyrexia; Pharmacogenic myopathy. Identifiers: Orphanet 423, MedGen C2930980, MONDO:0007783, OMIM 145600.

Allele frequency attached by ClinVar (database versions not stated): ExAC 0.00001; gnomAD 0.00003.
gnomAD v4.1: 10 of 1,613,964 alleles (0.00062%); highest among the groups gnomAD compares: African/African-American, 0.0067%; no homozygotes.

Submissions (2):

All of Us Research Program, National Institutes of Health
Classification: Uncertain significance for Malignant hyperthermia, susceptibility to, 1. Last evaluated: 2024-02-22. Review status: criteria provided, single submitter. Criteria: ACMG Guidelines, 2015. Collection method: clinical testing. Allele origin: germline. Inheritance: Autosomal dominant inheritance. Observed: 1 variant allele, 1 heterozygote.
Comment: This missense variant replaces glycine with arginine at codon 3363 of the RYR1 protein. Computational prediction is inconclusive regarding the impact of this variant on protein structure and function. To our knowledge, functional studies have not been reported for this variant. This variant has not been reported in individuals affected with RYR1-related disorders in the literature. This variant has been identified in 5/282508 chromosomes in the general population by the Genome Aggregation Database (gnomAD). The available evidence is insufficient to determine the role of this variant in disease conclusively. Therefore, this variant is classified as a Variant of Uncertain Significance.

This study involves interpretation of variants in research participants for the purpose of population health screening. Participant phenotype was not available at the time of variant classification. Additional details can be found in publication PMID: 35346344, PMCID: PMC8962531

Labcorp Genetics (formerly Invitae), Labcorp
Classification: Uncertain significance for RYR1-related disorder. Last evaluated: 2022-10-11. Review status: criteria provided, single submitter. Criteria: Invitae Variant Classification Sherloc (09022015). Collection method: clinical testing. Allele origin: germline.
Comment: This sequence change replaces glycine, which is neutral and non-polar, with arginine, which is basic and polar, at codon 3363 of the RYR1 protein (p.Gly3363Arg). This variant is present in population databases (rs775895899, gnomAD 0.01%). This variant has not been reported in the literature in individuals affected with RYR1-related conditions. Advanced modeling of protein sequence and biophysical properties (such as structural, functional, and spatial information, amino acid conservation, physicochemical variation, residue mobility, and thermodynamic stability) has been performed at Invitae for this missense variant, however the output from this modeling did not meet the statistical confidence thresholds required to predict the impact of this variant on RYR1 protein function. Algorithms developed to predict the effect of sequence changes on RNA splicing suggest that this variant may create or strengthen a splice site. In summary, the available evidence is currently insufficient to determine the role of this variant in disease. Therefore, it has been classified as a Variant of Uncertain Significance.